The following is an entry in ClinVar:

ClinVar aggregate classification (germline): Uncertain significance (1 of 4 stars; one submission).

Conditions:
Perlman syndrome (PRLMNS). Identifiers: Orphanet 2849, MedGen C0796113, MONDO:0009965, OMIM 267000.

Allele frequency attached by ClinVar (database versions not stated): gnomAD 0.00001.

Submission:

Labcorp Genetics (formerly Invitae), Labcorp
Classification: Uncertain significance for Perlman syndrome. Last evaluated: 2023-03-17. Review status: criteria provided, single submitter. Criteria: Invitae Variant Classification Sherloc (09022015). Collection method: clinical testing. Allele origin: germline.
Comment: This variant has not been reported in the literature in individuals affected with DIS3L2-related conditions. In summary, the available evidence is currently insufficient to determine the role of this variant in disease. Therefore, it has been classified as a Variant of Uncertain Significance. Experimental studies and prediction algorithms are not available or were not evaluated, and the functional significance of this variant is currently unknown. This variant is not present in population databases (gnomAD no frequency). This sequence change replaces aspartic acid, which is acidic and polar, with tyrosine, which is neutral and polar, at codon 881 of the DIS3L2 protein (p.Asp881Tyr).

NM_152383.5(DIS3L2):c.2641G>T (p.Asp881Tyr)

Gene: DIS3L2 (DIS3 like 3'-5' exoribonuclease 2; plus strand). Cytogenetic location: 2q37.1.
Variant type: single nucleotide variant.
Coding change: c.2641G>T on transcript NM_152383.5 (MANE Select); coding-DNA position 2641, G replaced by T.
Protein change: p.Asp881Tyr; replaces aspartic acid 881 with tyrosine.
Molecular consequence: missense variant. On other transcripts: non-coding transcript variant (2), intron variant (1).
Genome position (GRCh38, 1-based): chr2:232,336,613, G>T. VCF-style: chr2-232336613-G-T. GRCh37 (hg19) VCF-style: chr2-233201323-G-T.
Other names: c.1582-6732G>T (NM_001257281.2); short protein forms D881Y.
Identifiers: ClinVar variation 3008001 (VCV003008001.3), dbSNP rs1695959759, ClinGen allele CA350979130.
Genomic context (GRCh38, chr2:232,336,613, plus strand): 5'-GGCACCCAGGGCCACCTGGGCCCTGAGAAGGAGGAGGAGGAGTCTGACGGTGAGCCCGAG[G>T]ACTCAAGCACCAGCTGAGCTCCACCAGCCGCCTGCCCCGCCTGCCCCGCCTGCCTGTCCC-3'
Protein context (NP_689596.4, residues 871-885): EEEESDGEPE[Asp881Tyr]SSTS